The following is an entry in ClinVar:

NM_001035.3(RYR2):c.224T>C (p.Val75Ala)

Gene: RYR2 (ryanodine receptor 2; plus strand). Cytogenetic location: 1q43.
Variant type: single nucleotide variant.
Coding change: c.224T>C on transcript NM_001035.3 (MANE Select); coding-DNA position 224, T replaced by C.
Protein change: p.Val75Ala; replaces valine 75 with alanine.
Molecular consequence: missense variant.
Genome position (GRCh38, 1-based): chr1:237,330,933, T>C. VCF-style: chr1-237330933-T-C. GRCh37 (hg19) VCF-style: chr1-237494233-T-C.
Other names: short protein forms V75A.
Identifiers: ClinVar variation 1388887 (VCV001388887.7), dbSNP rs2149568182, ClinGen allele CA345654650.

ClinVar aggregate classification (germline): Uncertain significance (1 of 4 stars; one submission).

Conditions:
Catecholaminergic polymorphic ventricular tachycardia 1. Also called: VENTRICULAR TACHYCARDIA, CATECHOLAMINERGIC POLYMORPHIC, 1, WITH OR WITHOUT ATRIAL DYSFUNCTION AND/OR DILATED CARDIOMYOPATHY; VENTRICULAR TACHYCARDIA, STRESS-INDUCED POLYMORPHIC 1; RYR2-Related Catecholaminergic Polymorphic Ventricular Tachycardia. Identifiers: Orphanet 3286, MedGen C1631597, MONDO:0011484, OMIM 604772.

Submission:

Labcorp Genetics (formerly Invitae), Labcorp
Classification: Uncertain significance for Catecholaminergic polymorphic ventricular tachycardia 1. Last evaluated: 2021-10-23. Review status: criteria provided, single submitter. Criteria: Invitae Variant Classification Sherloc (09022015). Collection method: clinical testing. Allele origin: germline.
Comment: In summary, the available evidence is currently insufficient to determine the role of this variant in disease. Therefore, it has been classified as a Variant of Uncertain Significance. Advanced modeling of protein sequence and biophysical properties (such as structural, functional, and spatial information, amino acid conservation, physicochemical variation, residue mobility, and thermodynamic stability) performed at Invitae indicates that this missense variant is expected to disrupt RYR2 protein function. This variant has not been reported in the literature in individuals affected with RYR2-related conditions. This variant is not present in population databases (ExAC no frequency). This sequence change replaces valine with alanine at codon 75 of the RYR2 protein (p.Val75Ala). The valine residue is moderately conserved and there is a small physicochemical difference between valine and alanine.